The following is an entry in ClinVar:

NM_001365951.3(KIF1B):c.3376G>C (p.Ala1126Pro)

Gene: KIF1B (kinesin family member 1B; plus strand). Cytogenetic location: 1p36.22.
Variant type: single nucleotide variant.
Coding change: c.3376G>C on transcript NM_001365951.3 (MANE Select); coding-DNA position 3376, G replaced by C.
Protein change: p.Ala1126Pro; replaces alanine 1126 with proline.
Molecular consequence: missense variant.
Genome position (GRCh38, 1-based): chr1:10,337,487, G>C. VCF-style: chr1-10337487-G-C. GRCh37 (hg19) VCF-style: chr1-10397545-G-C.
Other names: c.3376G>C, p.Ala1126Pro (NM_001365952.1); c.3238G>C, p.Ala1080Pro (NM_015074.3); short protein forms A1080P, A1126P.
Identifiers: ClinVar variation 4043059 (VCV004043059.1).

ClinVar aggregate classification (germline): Uncertain significance (1 of 4 stars; one submission).

Submission:

Ambry Genetics
Classification: Uncertain significance. Last evaluated: 2025-04-21. Review status: criteria provided, single submitter. Criteria: Ambry Variant Classification Scheme 2023. Collection method: clinical testing. Allele origin: germline.
Comment: The p.A1080P variant (also known as c.3238G>C), located in coding exon 28 of the KIF1B gene, results from a G to C substitution at nucleotide position 3238. The alanine at codon 1080 is replaced by proline, an amino acid with highly similar properties. This amino acid position is conserved. In addition, this alteration is predicted to be deleterious by in silico analysis. Based on the available evidence, the clinical significance of this variant remains unclear.